The following is an entry in ClinVar:

ClinVar aggregate classification (germline): Uncertain significance. Review status: criteria provided, multiple submitters, no conflicts (2 of 4 stars). 2 submissions from 2 submitters: Uncertain significance (2). Last evaluated 2022-11-05.

Allele frequency attached by ClinVar (database versions not stated): gnomAD exomes 0.00001.
gnomAD v4.1: 9 of 1,613,330 alleles (0.00056%); highest among the groups gnomAD compares: African/African-American, 0.0013%; no homozygotes.

Submissions (2):

Labcorp Genetics (formerly Invitae), Labcorp
Classification: Uncertain significance. Last evaluated: 2022-11-05. Review status: criteria provided, single submitter. Criteria: Invitae Variant Classification Sherloc (09022015). Collection method: clinical testing. Allele origin: germline.
Comment: In summary, the available evidence is currently insufficient to determine the role of this variant in disease. Therefore, it has been classified as a Variant of Uncertain Significance. Algorithms developed to predict the effect of sequence changes on RNA splicing suggest that this variant may disrupt the consensus splice site. Experimental studies have shown that this missense change affects TGFB1 function (PMID: 1448117). Advanced modeling of protein sequence and biophysical properties (such as structural, functional, and spatial information, amino acid conservation, physicochemical variation, residue mobility, and thermodynamic stability) performed at Invitae indicates that this missense variant is not expected to disrupt TGFB1 protein function. This variant has not been reported in the literature in individuals affected with TGFB1-related conditions. This variant is not present in population databases (gnomAD no frequency). This sequence change replaces asparagine, which is neutral and polar, with serine, which is neutral and polar, at codon 136 of the TGFB1 protein (p.Asn136Ser).

Blueprint Genetics
Classification: Uncertain significance. Last evaluated: 2020-02-27. Review status: criteria provided, single submitter. Criteria: ACMG Guidelines, 2015. Collection method: clinical testing. Allele origin: germline.

Literature cited by the submitters: PubMed 1448117 (cited by Labcorp Genetics (formerly Invitae), Labcorp).

NM_000660.7(TGFB1):c.407A>G (p.Asn136Ser)

Gene: TGFB1 (transforming growth factor beta 1; minus strand). Cytogenetic location: 19q13.2.
Variant type: single nucleotide variant.
Coding change: c.407A>G on transcript NM_000660.7 (MANE Select); coding-DNA position 407, A replaced by G.
Protein change: p.Asn136Ser; replaces asparagine 136 with serine.
Molecular consequence: missense variant.
Genome position (GRCh38, 1-based): chr19:41,348,404, T>C on the plus strand (A>G on the coding strand, the complement: TGFB1 is on the minus strand). VCF-style: chr19-41348404-T-C. GRCh37 (hg19) VCF-style: chr19-41854309-T-C.
Other names: short protein forms N136S.
Identifiers: ClinVar variation 2118916 (VCV002118916.5), dbSNP rs2038142134, ClinGen allele CA406003717.